The following is an entry in ClinVar:

ClinVar aggregate classification (germline): Pathogenic (1 of 4 stars; one submission).

Conditions:
ADNP-related multiple congenital anomalies - intellectual disability - autism spectrum disorder. Also called: Helsmoortel-Van der Aa Syndrome; ADNP-Related Helsmoortel-Van der Aa Syndrome. Identifiers: Orphanet 404448, MedGen C4014538, MONDO:0014379, OMIM 615873. Disease mechanism: loss of function.

Submission:

MVZ Medizinische Genetik Mainz
Classification: Pathogenic for ADNP-related multiple congenital anomalies - intellectual disability - autism spectrum disorder. Last evaluated: 2021-12-31. Review status: criteria provided, single submitter. Criteria: UK Practice Guidelines For Variant Classification V4 01 2020. Collection method: clinical testing. Allele origin: germline. Inheritance: Autosomal dominant inheritance. Affected: yes. Observed: 1 variant allele.
Comment: ACMG Criteria: PVS1_STR, PS2, PM2_SUP (ACMG Version 3)

NM_001282531.3(ADNP):c.2301del (p.Ser769fs)

Gene: ADNP (activity dependent neuroprotector homeobox; minus strand). Cytogenetic location: 20q13.13.
Variant type: Deletion.
Coding change: c.2301del on transcript NM_001282531.3 (MANE Select); coding-DNA position 2301, one base deleted (G; older notation c.2301delG).
Protein change: p.Ser769fs; shifts the reading frame from serine 769.
Molecular consequence: frameshift variant.
Genome position (GRCh38, 1-based): chr20:50,892,413, C deleted on the plus strand (G on the coding strand, the reverse complement: ADNP is on the minus strand); the first of 2 consecutive C bases (chr20:50,892,413-50,892,414); deleting either gives the same sequence. VCF-style (leftmost placement, unchanged base first): chr20-50892412-TC-T. GRCh37 (hg19) VCF-style: chr20-49508949-TC-T.
Other names: c.2301del, p.Ser769fs (NM_001282532.2, NM_001347511.2, NM_015339.5 and 1 more transcripts); short protein forms S769fs.
Identifiers: ClinVar variation 3235197 (VCV003235197.1), dbSNP rs2515579173.